The following is an entry in ClinVar:

NM_000135.4(FANCA):c.2504A>C (p.Lys835Thr)

Gene: FANCA (FA complementation group A; minus strand). Cytogenetic location: 16q24.3.
Variant type: single nucleotide variant.
Coding change: c.2504A>C on transcript NM_000135.4 (MANE Select); coding-DNA position 2504, A replaced by C.
Protein change: p.Lys835Thr; replaces lysine 835 with threonine.
Molecular consequence: missense variant.
Genome position (GRCh38, 1-based): chr16:89,769,837, T>G on the plus strand (A>C on the coding strand, the complement: FANCA is on the minus strand). VCF-style: chr16-89769837-T-G. GRCh37 (hg19) VCF-style: chr16-89836245-T-G.
Other names: c.2504A>C, p.Lys835Thr (NM_001286167.3); short protein forms K835T.
Identifiers: ClinVar variation 968276 (VCV000968276.8), dbSNP rs749268120, ClinGen allele CA286564317.

ClinVar aggregate classification (germline): Uncertain significance (1 of 4 stars; one submission).

Conditions:
Fanconi anemia (FA). Also called: Fanconi's anemia. Identifiers: Orphanet 84, MedGen C0015625, MeSH D005199, MONDO:0019391.

Allele frequency attached by ClinVar (database versions not stated): TOPMed 0.00001; gnomAD 0.00002.

Submission:

Labcorp Genetics (formerly Invitae), Labcorp
Classification: Uncertain significance for Fanconi anemia. Last evaluated: 2022-12-12. Review status: criteria provided, single submitter. Criteria: Invitae Variant Classification Sherloc (09022015). Collection method: clinical testing. Allele origin: germline.
Comment: Algorithms developed to predict the effect of missense changes on protein structure and function (SIFT, PolyPhen-2, Align-GVGD) all suggest that this variant is likely to be tolerated. ClinVar contains an entry for this variant (Variation ID: 968276). This variant has not been reported in the literature in individuals affected with FANCA-related conditions. This variant is present in population databases (rs749268120, gnomAD 0.003%). This sequence change replaces lysine, which is basic and polar, with threonine, which is neutral and polar, at codon 835 of the FANCA protein (p.Lys835Thr). Algorithms developed to predict the effect of sequence changes on RNA splicing suggest that this variant may create or strengthen a splice site. In summary, the available evidence is currently insufficient to determine the role of this variant in disease. Therefore, it has been classified as a Variant of Uncertain Significance.